The following is an entry in ClinVar:

ClinVar aggregate classification (germline): Benign/Likely benign. Review status: criteria provided, multiple submitters, no conflicts (2 of 4 stars). 3 submissions from 3 submitters: Benign (2); Likely benign (1). Last evaluated 2023-05-01.

Allele frequency attached by ClinVar (database versions not stated): 1000 Genomes Project 30x 0.00109; 1000 Genomes Project 0.00120; ESP Exome Variant Server 0.00354; TOPMed 0.00357; gnomAD exomes 0.00423 and 0.00622; ExAC 0.00474; gnomAD 0.00386 and 0.00394.

Submissions (3):

CeGaT Center for Human Genetics Tuebingen
Classification: Likely benign. Last evaluated: 2023-05-01. Review status: criteria provided, single submitter. Criteria: CeGaT Center For Human Genetics Tuebingen Variant Classification Criteria Version 2. Collection method: clinical testing. Allele origin: germline. Affected: yes. Observed: 2 variant alleles.
Comment: DGCR2: BP4, BP7, BS2

Labcorp Genetics (formerly Invitae), Labcorp
Classification: Benign. Last evaluated: 2019-12-31. Review status: criteria provided, single submitter. Criteria: Invitae Variant Classification Sherloc (09022015). Collection method: clinical testing. Allele origin: germline.

Breakthrough Genomics
Classification: Benign. Review status: criteria provided, single submitter. Criteria: ACMG Guidelines, 2015. Collection method: not provided. Allele origin: germline. Inheritance: Unknown mechanism. Affected: yes.

NM_005137.3(DGCR2):c.1317G>A (p.Pro439=)

Gene: DGCR2 (DiGeorge syndrome critical region gene 2; minus strand). Cytogenetic location: 22q11.21.
Variant type: single nucleotide variant.
Coding change: c.1317G>A on transcript NM_005137.3 (MANE Select); coding-DNA position 1317, G replaced by A.
Protein change: p.Pro439=; no amino-acid change (proline 439 retained).
Molecular consequence: synonymous variant. On other transcripts: non-coding transcript variant (1).
Genome position (GRCh38, 1-based): chr22:19,041,137, C>T on the plus strand (G>A on the coding strand, the complement: DGCR2 is on the minus strand). VCF-style: chr22-19041137-C-T. GRCh37 (hg19) VCF-style: chr22-19028650-C-T.
Other names: c.1194G>A, p.Pro398= (NM_001173533.2); c.1185G>A, p.Pro395= (NM_001173534.2); c.1308G>A, p.Pro436= (NM_001184781.2).
Identifiers: ClinVar variation 773616 (VCV000773616.29), dbSNP rs146218436, ClinGen allele CA10095641.